The following is an entry in ClinVar:

NM_016151.4(TAOK2):c.353-3C>T

Gene: TAOK2 (TAO kinase 2; plus strand). Cytogenetic location: 16p11.2.
Variant type: single nucleotide variant.
Coding change: c.353-3C>T on transcript NM_016151.4 (MANE Select); 3 bases into the intron before coding-DNA position 353, C replaced by T.
Molecular consequence: intron variant.
Genome position (GRCh38, 1-based): chr16:29,978,971, C>T. VCF-style: chr16-29978971-C-T. GRCh37 (hg19) VCF-style: chr16-29990292-C-T.
Other names: c.353-3C>T (NM_004783.4, NM_001252043.2).
Identifiers: ClinVar variation 3058037 (VCV003058037.2), dbSNP rs1443244273, ClinGen allele CA622165660.

ClinVar aggregate classification (germline): Likely benign (0 of 4 stars; one submission).

Conditions:
TAOK2-related disorder. Also called: TAOK2-related condition.

Allele frequency attached by ClinVar (database versions not stated): gnomAD exomes below 0.00001; TOPMed below 0.00001; gnomAD 0.00001.
gnomAD v4.1: 4 of 1,614,060 alleles (0.00025%); highest among the groups gnomAD compares: African/African-American, 0.0013%; no homozygotes.

Submission:

PreventionGenetics, part of Exact Sciences
Classification: Likely benign for TAOK2-related condition. Last evaluated: 2019-03-29. Review status: no assertion criteria provided. Collection method: clinical testing. Allele origin: germline.
Comment: This variant is classified as likely benign based on ACMG/AMP sequence variant interpretation guidelines (Richards et al. 2015 PMID: 25741868, with internal and published modifications).